The following is an entry in ClinVar:

NM_000059.4(BRCA2):c.5962dup (p.Val1988fs)

Gene: BRCA2 (BRCA2 DNA repair associated; plus strand). Cytogenetic location: 13q13.1.
Variant type: Duplication.
Coding change: c.5962dup on transcript NM_000059.4 (MANE Select); coding-DNA position 5962, one base duplicated (G; older notation c.5962dupG).
Protein change: p.Val1988fs; shifts the reading frame from valine 1988.
Molecular consequence: frameshift variant.
Genome position (GRCh38, 1-based): chr13:32,340,317, G duplicated; the last of 2 consecutive G bases (chr13:32,340,316-32,340,317); duplicating either gives the same sequence. VCF-style (leftmost placement, unchanged base first): chr13-32340315-A-AG. GRCh37 (hg19) VCF-style: chr13-32914452-A-AG.
Other names: c.5962dupG (NM_000059.3); short protein forms V1988fs.
Identifiers: ClinVar variation 491299 (VCV000491299.11), dbSNP rs876661236, ClinGen allele CA658683863.

ClinVar aggregate classification (germline): Pathogenic. Review status: criteria provided, multiple submitters, no conflicts (2 of 4 stars). 3 submissions from 3 submitters: Pathogenic (3). Last evaluated 2025-06-12.

Conditions:
Hereditary cancer-predisposing syndrome. Also called: Hereditary neoplastic syndrome; Tumor predisposition; Hereditary Cancer Syndrome; Neoplastic Syndromes, Hereditary. Identifiers: Orphanet 140162, MedGen C0027672, MeSH D009386, MONDO:0015356.
Hereditary breast ovarian cancer syndrome. Also called: Hereditary breast and/or ovarian cancer syndrome; BRCA1- and BRCA2-Associated Hereditary Breast and Ovarian Cancer; Breast and ovarian cancer; Hereditary breast and ovarian cancer; Hereditary breast and ovarian cancer syndrome; Hereditary breast and ovarian cancer syndrome (HBOC). Identifiers: Orphanet 145, MedGen C0677776, MeSH D061325, MONDO:0003582. Disease mechanism: loss of function.

Submissions (3):

Ambry Genetics
Classification: Pathogenic for Hereditary cancer-predisposing syndrome. Last evaluated: 2025-06-12. Review status: criteria provided, single submitter. Criteria: Ambry Variant Classification Scheme 2023. Collection method: clinical testing. Allele origin: germline.
Comment: The c.5962dupG pathogenic mutation, located in coding exon 10 of the BRCA2 gene, results from a duplication of G at nucleotide position 5962, causing a translational frameshift with a predicted alternate stop codon (p.V1988Gfs*15). This variant is considered to be rare based on population cohorts in the Genome Aggregation Database (gnomAD). This alteration is expected to result in loss of function by premature protein truncation or nonsense-mediated mRNA decay. As such, this alteration is interpreted as a disease-causing mutation.

Labcorp Genetics (formerly Invitae), Labcorp
Classification: Pathogenic for Hereditary breast ovarian cancer syndrome. Last evaluated: 2020-07-12. Review status: criteria provided, single submitter. Criteria: Invitae Variant Classification Sherloc (09022015). Collection method: clinical testing. Allele origin: germline.
Comment: This sequence change creates a premature translational stop signal (p.Val1988Glyfs*15) in the BRCA2 gene. It is expected to result in an absent or disrupted protein product. For these reasons, this variant has been classified as Pathogenic. Loss-of-function variants in BRCA2 are known to be pathogenic (PMID: 20104584). Algorithms developed to predict the effect of sequence changes on RNA splicing suggest that this variant may create or strengthen a splice site, but this prediction has not been confirmed by published transcriptional studies. This variant has not been reported in the literature in individuals with BRCA2-related conditions. ClinVar contains an entry for this variant (Variation ID: 491299). This variant is not present in population databases (ExAC no frequency).

Color Diagnostics, LLC DBA Color Health
Classification: Pathogenic for Hereditary cancer-predisposing syndrome. Last evaluated: 2020-05-22. Review status: criteria provided, single submitter. Criteria: ACMG Guidelines, 2015. Collection method: clinical testing. Allele origin: germline.
Comment: This variant inserts 1 nucleotide in exon 11 of the BRCA2 gene, creating a frameshift and premature translation stop signal. This variant is expected to result in an absent or non-functional protein product. To our knowledge, this variant has not been reported in individuals affected with hereditary cancer in the literature. This variant has not been identified in the general population by the Genome Aggregation Database (gnomAD). Loss of BRCA2 function is a known mechanism of disease. Based on the available evidence, this variant is classified as Pathogenic.

Literature cited by the submitters: PubMed 20104584 (cited by Labcorp Genetics (formerly Invitae), Labcorp).